The following is an entry in ClinVar:

NM_001807.6(CEL):c.203A>T (p.His68Leu)

Gene: CEL (carboxyl ester lipase; plus strand). Cytogenetic location: 9q34.13.
Variant type: single nucleotide variant.
Coding change: c.203A>T on transcript NM_001807.6 (MANE Select); coding-DNA position 203, A replaced by T.
Protein change: p.His68Leu; replaces histidine 68 with leucine.
Molecular consequence: missense variant.
Genome position (GRCh38, 1-based): chr9:133,064,540, A>T. VCF-style: chr9-133064540-A-T. GRCh37 (hg19) VCF-style: chr9-135939927-A-T.
Other names: c.212A>T (NM_001807.3); short protein forms H68L.
Identifiers: ClinVar variation 2921090 (VCV002921090.2), dbSNP rs768467824, ClinGen allele CA5302897.

ClinVar aggregate classification (germline): Uncertain significance. Review status: criteria provided, multiple submitters, no conflicts (2 of 4 stars). 2 submissions from 2 submitters: Uncertain significance (2). Last evaluated 2024-08-20.

Conditions:
Inborn genetic diseases. Identifiers: MedGen C0950123, MeSH D030342.
Maturity-onset diabetes of the young type 8 (MODY8). Also called: DIABETES-PANCREATIC EXOCRINE DYSFUNCTION SYNDROME; DIABETES AND PANCREATIC EXOCRINE DYSFUNCTION. Identifiers: Orphanet 552, MedGen C1853297, MONDO:0012348, OMIM 609812.

Allele frequency attached by ClinVar (database versions not stated): ExAC 0.00001; gnomAD exomes 0.00003; TOPMed 0.00003; gnomAD 0.00005.
gnomAD v4.1: 43 of 1,614,002 alleles (0.0027%); highest among the groups gnomAD compares: African/African-American, 0.004%; 1 homozygote.

Submissions (2):

Ambry Genetics
Classification: Uncertain significance for Inborn genetic diseases. Last evaluated: 2024-08-20. Review status: criteria provided, single submitter. Criteria: Ambry Variant Classification Scheme 2023. Collection method: clinical testing. Allele origin: germline.

ARUP Laboratories, Molecular Genetics and Genomics, ARUP Laboratories
Classification: Uncertain significance for Maturity-onset diabetes of the young type 8. Last evaluated: 2023-09-22. Review status: criteria provided, single submitter. Criteria: ARUP Molecular Germline Variant Investigation Process 2024. Collection method: clinical testing. Allele origin: germline.
Comment: The CEL c.203A>T; p.His68Leu variant (rs768467824), to our knowledge, is not reported in the medical literature or gene specific databases. This variant is found in the non-Finnish European population with an allele frequency of 0.005% (6/128396 alleles) in the Genome Aggregation Database. Computational analyses are uncertain whether this variant is neutral or deleterious (REVEL: 0.377). Due to limited information, the clinical significance of this variant is uncertain at this time.